The following is an entry in ClinVar:

NM_003590.5(CUL3):c.1369_1377delAAGTTAAAG (p.Lys457_Lys459del)

Gene: CUL3 (cullin 3; minus strand). Cytogenetic location: 2q36.2.
Variant type: Deletion.
Coding change: c.1369_1377delAAGTTAAAG on transcript NM_003590.5 (MANE Select); coding-DNA positions 1369 to 1377, 9 bases deleted (AAGTTAAAG).
Protein change: p.Lys457_Lys459del.
Molecular consequence: inframe deletion.
Genome position (GRCh38, 1-based): chr2:224,503,652-224,503,660, CTTTAACTT deleted on the plus strand (AAGTTAAAG on the coding strand, the reverse complement: CUL3 is on the minus strand). VCF-style (leftmost placement, unchanged base first): chr2-224503651-CCTTTAACTT-C. GRCh37 (hg19) VCF-style: chr2-225368368-CCTTTAACTT-C.
Other names: c.1171_1179delAAGTTAAAG, p.Lys391_Lys393del (NM_001257197.2); c.1387_1395delAAGTTAAAG, p.Lys463_Lys465del (NM_001257198.2).
Identifiers: ClinVar variation 3340058 (VCV003340058.1).

ClinVar aggregate classification (germline): Uncertain significance (1 of 4 stars; one submission).

Submission:

Women's Health and Genetics/Laboratory Corporation of America, LabCorp
Classification: Uncertain significance. Last evaluated: 2024-06-14. Review status: criteria provided, single submitter. Criteria: LabCorp Variant Classification Summary - May 2015. Collection method: clinical testing. Allele origin: germline.
Comment: Variant summary: CUL3 c.1369_1377delAAGTTAAAG (p.Lys457_Lys459del) results in an in-frame deletion that is predicted to remove 3 amino acids from the encoded protein. Several computational tools predict a significant impact on normal splicing: Four predict the variant abolishes a 5' splicing donor site. However, these predictions have yet to be confirmed by functional studies. The frequency data for this variant in gnomAD is considered unreliable, as metrics indicate poor data quality at this region. To our knowledge, no occurrence of c.1369_1377delAAGTTAAAG in individuals affected with CUL3-Related Disorders and no experimental evidence demonstrating its impact on protein function have been reported. No submitters have cited clinical-significance assessments for this variant to ClinVar. Based on the evidence outlined above, the variant was classified as uncertain significance.